The following is an entry in ClinVar:

ClinVar aggregate classification (germline): Uncertain significance. Review status: criteria provided, multiple submitters, no conflicts (2 of 4 stars). 3 submissions from 3 submitters: Uncertain significance (3). Last evaluated 2025-12-14.

Conditions:
Oto-palato-digital syndrome, type II (OPD2). Also called: FACIOPALATOOSSEOUS SYNDROME; OPD II SYNDROME; Otopalatodigital Syndrome, Type II; Otopalatodigital Syndrome Type 2 (FLNA-OPD2). Identifiers: Orphanet 669, Orphanet 90652, MedGen C1844696, MONDO:0010571, OMIM 304120.
Heterotopia, periventricular, X-linked dominant (PVNH1). Also called: PERIVENTRICULAR NODULAR HETEROTOPIA 4; HETEROTOPIA, PERIVENTRICULAR, 1; PERIVENTRICULAR NODULAR HETEROTOPIA 1; X-linked periventricular heterotopia. Identifiers: Orphanet 2149, Orphanet 82004, MedGen C1848213, MONDO:0010233, OMIM 300049.
Melnick-Needles syndrome (MNS). Also called: MELNICK-NEEDLES OSTEODYSPLASTY; OSTEODYSPLASTY OF MELNICK AND NEEDLES; Melnick-Needles Syndrome (FLNA-MNS). Identifiers: Orphanet 2484, MedGen C0025237, MONDO:0010650, OMIM 309350.
Frontometaphyseal dysplasia (FMD1). Identifiers: Orphanet 1826, MedGen C0265293, MONDO:0015942.
Familial thoracic aortic aneurysm and aortic dissection (TAAD). Also called: Thoracic aortic aneurysms and dissections. Identifiers: Orphanet 91387, MedGen C4707243, MONDO:0019625.

Allele frequency attached by ClinVar (database versions not stated): ExAC 0.00001; gnomAD 0.00001; gnomAD exomes 0.00001; TOPMed 0.00001.
gnomAD v4.1: 8 of 1,208,581 alleles (0.00066%); highest among the groups gnomAD compares: Non-Finnish European, 0.00078%; no homozygotes.

Submissions (3):

Labcorp Genetics (formerly Invitae), Labcorp
Classification: Uncertain significance for Oto-palato-digital syndrome, type II; Heterotopia, periventricular, X-linked dominant; Frontometaphyseal dysplasia; Melnick-Needles syndrome. Last evaluated: 2025-12-14. Review status: criteria provided, single submitter. Criteria: Invitae Variant Classification Sherloc (09022015). Collection method: clinical testing. Allele origin: germline.
Comment: This sequence change falls in intron 23 of the FLNA gene. It does not directly change the encoded amino acid sequence of the FLNA protein. It affects a nucleotide within the consensus splice site. The frequency data for this variant in the population databases is considered unreliable, as metrics indicate poor data quality at this position in the gnomAD database. This variant has not been reported in the literature in individuals affected with FLNA-related conditions. ClinVar contains an entry for this variant (Variation ID: 1465501). Variants that disrupt the consensus splice site are a relatively common cause of aberrant splicing (PMID: 17576681, 9536098). Algorithms developed to predict the effect of sequence changes on RNA splicing suggest that this variant is not likely to affect RNA splicing. In summary, the available evidence is currently insufficient to determine the role of this variant in disease. Therefore, it has been classified as a Variant of Uncertain Significance.

GeneDx
Classification: Uncertain significance. Last evaluated: 2024-04-19. Review status: criteria provided, single submitter. Criteria: GeneDx Variant Classification Process June 2021. Collection method: clinical testing. Allele origin: germline. Affected: yes.
Comment: Not observed at significant frequency in large population cohorts (gnomAD); Has not been previously published as pathogenic or benign to our knowledge; In silico analysis suggests this variant may impact gene splicing. In the absence of RNA/functional studies, the actual effect of this sequence change is unknown.

Ambry Genetics
Classification: Uncertain significance for Familial thoracic aortic aneurysm and aortic dissection. Last evaluated: 2023-10-25. Review status: criteria provided, single submitter. Criteria: Ambry Variant Classification Scheme 2023. Collection method: clinical testing. Allele origin: germline.
Comment: The c.3979+4C>T intronic variant results from a C to T substitution 4 nucleotides after coding exon 22 in the FLNA gene. This nucleotide position is poorly conserved in available vertebrate species. In silico splice site analysis predicts that this alteration may result in the creation or strengthening of a novel splice donor site. Since supporting evidence is limited at this time, the clinical significance of this alteration remains unclear.

Literature cited by the submitters: PubMed 17576681 (cited by Labcorp Genetics (formerly Invitae), Labcorp); PubMed 9536098 (cited by Labcorp Genetics (formerly Invitae), Labcorp).

NM_001110556.2(FLNA):c.3979+4C>T

Gene: FLNA (filamin A; minus strand). Cytogenetic location: Xq28.
Variant type: single nucleotide variant.
Coding change: c.3979+4C>T on transcript NM_001110556.2 (MANE Select); 4 bases into the intron after coding-DNA position 3979, C replaced by T.
Molecular consequence: intron variant.
Genome position (GRCh38, 1-based): chrX:154,359,728, G>A on the plus strand (C>T on the coding strand, the complement: FLNA is on the minus strand). VCF-style: chrX-154359728-G-A. GRCh37 (hg19) VCF-style: chrX-153588096-G-A.
Other names: c.3979+4C>T (NM_001456.3, NM_001456.4).
Identifiers: ClinVar variation 1465501 (VCV001465501.8), dbSNP rs782681322, ClinGen allele CA10560629.
Genomic context (GRCh38, chrX:154,359,728, plus strand): 5'-CAGGAGGAGCCCGGGCCACCCCACCCACCCCGTCTGCCAGCCTGTGGGAGTCCCCAGCAC[G>A]CACCCTCCTCGTAAGGCGTGTACTCCACTTTGTACATGCCATCGCCACGGTCCTGAACGT-3'